The following is an entry in ClinVar:

NM_001378454.1(ALMS1):c.10217C>G (p.Ser3406Cys)

Gene: ALMS1 (ALMS1 centrosome and basal body associated protein; plus strand). Cytogenetic location: 2p13.1.
Variant type: single nucleotide variant.
Coding change: c.10217C>G on transcript NM_001378454.1 (MANE Select); coding-DNA position 10217, C replaced by G.
Protein change: p.Ser3406Cys; replaces serine 3406 with cysteine.
Molecular consequence: missense variant.
Genome position (GRCh38, 1-based): chr2:73,558,975, C>G. VCF-style: chr2-73558975-C-G. GRCh37 (hg19) VCF-style: chr2-73786102-C-G.
Other names: c.10220C>G, p.Ser3407Cys (NM_015120.4); short protein forms S3406C, S3407C.
Identifiers: ClinVar variation 1496941 (VCV001496941.7), dbSNP rs1279080725, ClinGen allele CA347277604.
Genomic context (GRCh38, chr2:73,558,975, plus strand): 5'-TAAAAATCTTTTATGTCAAGTTCCTGTCTGTATAGTGTGTTAATTTCCCTTTCGTAGATT[C>G]CAGTGCTGCTGCTGCTGCAGAGCACTCAGCTCAAGTAGGAGACCCAGAAATGAAGAACTT-3'
Protein context (NP_001365383.1, residues 3396-3416): KESLQKDTAD[Ser3406Cys]SAAAAAEHSA

ClinVar aggregate classification (germline): Conflicting classifications of pathogenicity. Review status: criteria provided, conflicting classifications (1 of 4 stars). 2 submissions from 2 submitters: Uncertain significance (1); Likely benign (1). Last evaluated 2025-07-15.

Conditions:
Alstrom syndrome (ALMS). Identifiers: Orphanet 64, MedGen C0268425, MONDO:0008763, OMIM 203800.
Cardiovascular phenotype. Identifiers: MedGen CN230736.

Allele frequency attached by ClinVar (database versions not stated): gnomAD exomes below 0.00001 and 0.00001; TOPMed below 0.00001; gnomAD 0.00001.
gnomAD v4.1: 4 of 1,613,826 alleles (0.00025%); highest among the groups gnomAD compares: African/African-American, 0.0013%; no homozygotes.

Submissions (2):

Ambry Genetics
Classification: Likely benign for Cardiovascular phenotype. Last evaluated: 2025-07-15. Review status: criteria provided, single submitter. Criteria: Ambry Variant Classification Scheme 2023. Collection method: clinical testing. Allele origin: germline.

Labcorp Genetics (formerly Invitae), Labcorp
Classification: Uncertain significance for Alstrom syndrome. Last evaluated: 2023-07-17. Review status: criteria provided, single submitter. Criteria: Invitae Variant Classification Sherloc (09022015). Collection method: clinical testing. Allele origin: germline.
Comment: This sequence change replaces serine, which is neutral and polar, with cysteine, which is neutral and slightly polar, at codon 3407 of the ALMS1 protein (p.Ser3407Cys). This variant is present in population databases (no rsID available, gnomAD 0.007%). This variant has not been reported in the literature in individuals affected with ALMS1-related conditions. ClinVar contains an entry for this variant (Variation ID: 1496941). Experimental studies and prediction algorithms are not available or were not evaluated, and the functional significance of this variant is currently unknown. In summary, the available evidence is currently insufficient to determine the role of this variant in disease. Therefore, it has been classified as a Variant of Uncertain Significance.